The following is an entry in ClinVar:

ClinVar aggregate classification (germline): Pathogenic (1 of 4 stars; one submission).

Submission:

Labcorp Genetics (formerly Invitae), Labcorp
Classification: Pathogenic. Last evaluated: 2023-04-28. Review status: criteria provided, single submitter. Criteria: Invitae Variant Classification Sherloc (09022015). Collection method: clinical testing. Allele origin: germline.
Comment: For these reasons, this variant has been classified as Pathogenic. Algorithms developed to predict the effect of sequence changes on RNA splicing suggest that this variant may disrupt the consensus splice site. This variant has not been reported in the literature in individuals affected with COL27A1-related conditions. This variant is not present in population databases (gnomAD no frequency). This sequence change creates a premature translational stop signal (p.Gly709Aspfs*39) in the COL27A1 gene. It is expected to result in an absent or disrupted protein product. Loss-of-function variants in COL27A1 are known to be pathogenic (PMID: 24986830, 28276056).

Literature cited by the submitters: PubMed 24986830; PubMed 28276056.

NC_000009.12:g.114205103del

Gene: COL27A1 (collagen type XXVII alpha 1 chain; plus strand). Cytogenetic location: 9q32.
Variant type: Deletion.
Genome position: GRCh38 VCF-style: chr9-114205100-AG-A. GRCh37 (hg19) VCF-style: chr9-116967380-AG-A.
Identifiers: ClinVar variation 2988970 (VCV002988970.3), dbSNP rs1440582784, ClinGen allele CA858943087.